The following is an entry in ClinVar:

ClinVar aggregate classification (germline): Likely pathogenic (1 of 4 stars; one submission).

Conditions:
Hereditary cancer-predisposing syndrome. Also called: Hereditary Cancer Syndrome; Hereditary neoplastic syndrome; Neoplastic Syndromes, Hereditary; Tumor predisposition. Identifiers: Orphanet 140162, MedGen C0027672, MeSH D009386, MONDO:0015356.

Submission:

Ambry Genetics
Classification: Likely pathogenic for Hereditary cancer-predisposing syndrome. Last evaluated: 2025-04-03. Review status: criteria provided, single submitter. Criteria: Ambry Variant Classification Scheme 2023. Collection method: clinical testing. Allele origin: germline.
Comment: The c.3092_3093insL1 variant results from the insertion of an L1 element between nucleotides 3092 and 3093 in coding exon 15 of the APC gene. Mobile element insertions contribute to pathogenicity by either disrupting the coding sequence or inducing aberrant splicing (Belancio VP et al. Semin. Cancer Biol. 2010 Aug;20:200-10; Deininger P et al. Genome Biol. 2011 Dec;12:236; van der Klift HM Hum Mutat. 2012 Jul;33(7):1051-5). Based on the majority of available evidence to date, this variant is likely to be pathogenic.

NM_000038.5:c.3092_3093insL1

Gene: APC (APC regulator of Wnt signaling pathway; plus strand).
Variant type: Insertion.
Identifiers: ClinVar variation 3928029 (VCV003928029.1).